The following is an entry in ClinVar:

NM_006939.4(SOS2):c.1339C>A (p.Pro447Thr)

Gene: SOS2 (SOS Ras/Rho guanine nucleotide exchange factor 2; minus strand). Cytogenetic location: 14q21.3.
Variant type: single nucleotide variant.
Coding change: c.1339C>A on transcript NM_006939.4 (MANE Select); coding-DNA position 1339, C replaced by A.
Protein change: p.Pro447Thr; replaces proline 447 with threonine.
Molecular consequence: missense variant.
Genome position (GRCh38, 1-based): chr14:50,159,944, G>T on the plus strand (C>A on the coding strand, the complement: SOS2 is on the minus strand). VCF-style: chr14-50159944-G-T. GRCh37 (hg19) VCF-style: chr14-50626662-G-T.
Other names: short protein forms P447T.
Identifiers: ClinVar variation 981591 (VCV000981591.14), dbSNP rs2502991376, ClinGen allele CA389646008.
Genomic context (GRCh38, chr14:50,159,944, plus strand): 5'-TCATTAAGCCATCAAACAGAAAAATATGCCGTTCATGTTTGGCACCGATTCTTGTCAATG[G>T]TCCCTCCATAATGAATTCATTACAACACTGTCCAATATCTTTGCCTTCCCATCCATCGAT-3'
Protein context (NP_008870.2, residues 437-457): QCCNEFIMEG[Pro447Thr]LTRIGAKHER

ClinVar aggregate classification (germline): Uncertain significance. Review status: criteria provided, multiple submitters, no conflicts (2 of 4 stars). 5 submissions from 5 submitters: Uncertain significance (4). 1 of the submissions does not count toward it. Last evaluated 2026-01-19.

Conditions:
Cardiovascular phenotype. Identifiers: MedGen CN230736.
Noonan syndrome (NS). Also called: Noonan's syndrome. Identifiers: Orphanet 648, MedGen C0028326, MeSH D009634, MONDO:0018997. Disease mechanism: gain of function.
Noonan syndrome 9 (NS9). Identifiers: Orphanet 648, MedGen C4225282, MONDO:0014691, OMIM 616559.

gnomAD v4.1: 3 of 1,614,086 alleles (0.00019%); highest among the groups gnomAD compares: Non-Finnish European, 0.00025%; no homozygotes.

Submissions (5):

Labcorp Genetics (formerly Invitae), Labcorp
Classification: Uncertain significance for Noonan syndrome 9. Last evaluated: 2026-01-19. Review status: criteria provided, single submitter. Criteria: Invitae Variant Classification Sherloc (09022015). Collection method: clinical testing. Allele origin: germline.
Comment: This sequence change replaces proline, which is neutral and non-polar, with threonine, which is neutral and polar, at codon 447 of the SOS2 protein (p.Pro447Thr). This variant is not present in population databases (gnomAD no frequency). This variant has not been reported in the literature in individuals affected with SOS2-related conditions. ClinVar contains an entry for this variant (Variation ID: 981591). Invitae Evidence Modeling of protein sequence and biophysical properties (such as structural, functional, and spatial information, amino acid conservation, physicochemical variation, residue mobility, and thermodynamic stability) indicates that this missense variant is not expected to disrupt SOS2 protein function with a negative predictive value of 95%. In summary, the available evidence is currently insufficient to determine the role of this variant in disease. Therefore, it has been classified as a Variant of Uncertain Significance.

Ambry Genetics
Classification: Uncertain significance for Cardiovascular phenotype. Last evaluated: 2021-06-12. Review status: criteria provided, single submitter. Criteria: Ambry Variant Classification Scheme 2023. Collection method: clinical testing. Allele origin: germline.
Comment: The p.P447T variant (also known as c.1339C>A), located in coding exon 10 of the SOS2 gene, results from a C to A substitution at nucleotide position 1339. The proline at codon 447 is replaced by threonine, an amino acid with highly similar properties. This amino acid position is conserved. In addition, this alteration is predicted to be tolerated by in silico analysis. Since supporting evidence is limited at this time, the clinical significance of this alteration remains unclear.

Revvity Omics, Revvity
Classification: Uncertain significance for Noonan syndrome 9. Last evaluated: 2019-06-06. Review status: criteria provided, single submitter. Criteria: ACMG Guidelines, 2015. Collection method: clinical testing. Allele origin: germline.

Genome-Nilou Lab
Classification: Uncertain significance for Noonan syndrome 9. Review status: criteria provided, single submitter. Criteria: ACMG Guidelines, 2015. Collection method: clinical testing. Allele origin: germline.

Service de Génétique Moléculaire, Hôpital Robert Debré
Classification: Likely benign for Noonan syndrome. Review status: no assertion criteria provided. Collection method: clinical testing. Allele origin: paternal. Affected: no. Not counted in ClinVar's aggregate classification.